The following is an entry in ClinVar:

ClinVar aggregate classification (germline): Uncertain significance (1 of 4 stars; one submission).

Conditions:
Brugada syndrome. Also called: Sudden unexpected nocturnal death syndrome; Sudden Unexplained Death Syndrome; Sudden Unexplained Nocturnal Death Syndrome (SUNDS); Sudden unexplained nocturnal death syndrome. Identifiers: Orphanet 130, MedGen C1142166, MONDO:0015263.

gnomAD v4.1: 1 of 1,605,702 alleles (0.000062%); highest among the groups gnomAD compares: Non-Finnish European, 0.000085%; no homozygotes.

Submission:

Labcorp Genetics (formerly Invitae), Labcorp
Classification: Uncertain significance for Brugada syndrome. Last evaluated: 2022-08-04. Review status: criteria provided, single submitter. Criteria: Invitae Variant Classification Sherloc (09022015). Collection method: clinical testing. Allele origin: germline.
Comment: This sequence change replaces glutamic acid, which is acidic and polar, with lysine, which is basic and polar, at codon 548 of the CACNA2D1 protein (p.Glu548Lys). This variant is not present in population databases (gnomAD no frequency). This variant has not been reported in the literature in individuals affected with CACNA2D1-related conditions. Algorithms developed to predict the effect of missense changes on protein structure and function (SIFT, PolyPhen-2, Align-GVGD) all suggest that this variant is likely to be tolerated. In summary, the available evidence is currently insufficient to determine the role of this variant in disease. Therefore, it has been classified as a Variant of Uncertain Significance.

NM_000722.4(CACNA2D1):c.1642G>A (p.Glu548Lys)

Gene: CACNA2D1 (calcium voltage-gated channel auxiliary subunit alpha2delta 1; minus strand). Cytogenetic location: 7q21.11.
Variant type: single nucleotide variant.
Coding change: c.1642G>A on transcript NM_000722.4 (MANE Select); coding-DNA position 1642, G replaced by A.
Protein change: p.Glu548Lys; replaces glutamic acid 548 with lysine.
Molecular consequence: missense variant.
Genome position (GRCh38, 1-based): chr7:81,997,199, C>T on the plus strand (G>A on the coding strand, the complement: CACNA2D1 is on the minus strand). VCF-style: chr7-81997199-C-T. GRCh37 (hg19) VCF-style: chr7-81626515-C-T.
Other names: c.1699G>A, p.Glu567Lys (NM_001366867.1); short protein forms E548K, E567K.
Identifiers: ClinVar variation 1715002 (VCV001715002.5), dbSNP rs578023934, ClinGen allele CA367876891.